The following is an entry in ClinVar:

ClinVar aggregate classification (germline): Uncertain significance. Review status: criteria provided, multiple submitters, no conflicts (2 of 4 stars). 2 submissions from 2 submitters: Uncertain significance (2). Last evaluated 2025-04-07.

Conditions:
Hereditary cancer-predisposing syndrome. Also called: Neoplastic Syndromes, Hereditary; Hereditary Cancer Syndrome; Tumor predisposition; Hereditary neoplastic syndrome. Identifiers: Orphanet 140162, MedGen C0027672, MeSH D009386, MONDO:0015356.
Cardiovascular phenotype. Identifiers: MedGen CN230736.
Neurofibromatosis, type 1 (NF1). Also called: Neurofibromatosis, type I; Peripheral type neurofibromatosis; VON RECKLINGHAUSEN DISEASE; NEUROFIBROMATOSIS, TYPE I, SOMATIC. Identifiers: Orphanet 636, MedGen C0027831, MONDO:0018975, OMIM 162200. Disease mechanism: loss of function.

Submissions (2):

Labcorp Genetics (formerly Invitae), Labcorp
Classification: Uncertain significance for Neurofibromatosis, type 1. Last evaluated: 2025-04-07. Review status: criteria provided, single submitter. Criteria: Invitae Variant Classification Sherloc (09022015). Collection method: clinical testing. Allele origin: germline.
Comment: This sequence change replaces glutamine, which is neutral and polar, with arginine, which is basic and polar, at codon 1374 of the NF1 protein (p.Gln1374Arg). This variant is not present in population databases (gnomAD no frequency). This variant has not been reported in the literature in individuals affected with NF1-related conditions. ClinVar contains an entry for this variant (Variation ID: 1510675). Invitae Evidence Modeling of protein sequence and biophysical properties (such as structural, functional, and spatial information, amino acid conservation, physicochemical variation, residue mobility, and thermodynamic stability) has been performed for this missense variant. However, the output from this modeling did not meet the statistical confidence thresholds required to predict the impact of this variant on NF1 protein function. In summary, the available evidence is currently insufficient to determine the role of this variant in disease. Therefore, it has been classified as a Variant of Uncertain Significance.

Ambry Genetics
Classification: Uncertain significance for Cardiovascular phenotype; Hereditary cancer-predisposing syndrome. Last evaluated: 2020-10-06. Review status: criteria provided, single submitter. Criteria: Ambry Variant Classification Scheme 2023. Collection method: clinical testing. Allele origin: germline.
Comment: The p.Q1374R variant (also known as c.4121A>G), located in coding exon 31 of the NF1 gene, results from an A to G substitution at nucleotide position 4121. The glutamine at codon 1374 is replaced by arginine, an amino acid with highly similar properties. This amino acid position is highly conserved in available vertebrate species. In addition, this alteration is predicted to be deleterious by in silico analysis. Since supporting evidence is limited at this time, the clinical significance of this alteration remains unclear.

NM_001042492.3(NF1):c.4184A>G (p.Gln1395Arg)

Gene: NF1 (neurofibromin 1; plus strand). Cytogenetic location: 17q11.2.
Variant type: single nucleotide variant.
Coding change: c.4184A>G on transcript NM_001042492.3 (MANE Select); coding-DNA position 4184, A replaced by G.
Protein change: p.Gln1395Arg; replaces glutamine 1395 with arginine.
Molecular consequence: missense variant.
Genome position (GRCh38, 1-based): chr17:31,258,354, A>G. VCF-style: chr17-31258354-A-G. GRCh37 (hg19) VCF-style: chr17-29585372-A-G.
Other names: c.4121A>G, p.Gln1374Arg (NM_000267.4); short protein forms Q1374R, Q1395R.
Identifiers: ClinVar variation 1510675 (VCV001510675.10), dbSNP rs2151461782, ClinGen allele CA398997535.